The following is an entry in ClinVar:

ClinVar aggregate classification (germline): Uncertain significance (1 of 4 stars; one submission).

Conditions:
Primary dilated cardiomyopathy (DCM). Also called: Dilated Cardiomyopathy. Identifiers: Orphanet 217604, MedGen C0007193, MeSH D002311, MONDO:0005021, HP:0001644. Inheritance: Various modes of inheritance.

Allele frequency attached by ClinVar (database versions not stated): gnomAD exomes below 0.00001.
gnomAD v4.1: 1 of 1,503,916 alleles (0.000066%); highest among the groups gnomAD compares: Non-Finnish European, 0.000088%; no homozygotes.

Submission:

Labcorp Genetics (formerly Invitae), Labcorp
Classification: Uncertain significance for Primary dilated cardiomyopathy. Last evaluated: 2025-03-21. Review status: criteria provided, single submitter. Criteria: Invitae Variant Classification Sherloc (09022015). Collection method: clinical testing. Allele origin: germline.
Comment: This sequence change replaces arginine, which is basic and polar, with tryptophan, which is neutral and slightly polar, at codon 18 of the TXNRD2 protein (p.Arg18Trp). This variant is not present in population databases (gnomAD no frequency). This variant has not been reported in the literature in individuals affected with TXNRD2-related conditions. ClinVar contains an entry for this variant (Variation ID: 407093). An algorithm developed to predict the effect of missense changes on protein structure and function (PolyPhen-2) suggests that this variant is likely to be disruptive. In summary, the available evidence is currently insufficient to determine the role of this variant in disease. Therefore, it has been classified as a Variant of Uncertain Significance.

NM_006440.5(TXNRD2):c.52C>T (p.Arg18Trp)

Genes: TXNRD2 (thioredoxin reductase 2; minus strand), LOC130066960 (ATAC-STARR-seq lymphoblastoid silent region 13467; plus strand). Cytogenetic location: 22q11.21.
Variant type: single nucleotide variant.
Coding change: c.52C>T on transcript NM_006440.5 (MANE Select); coding-DNA position 52, C replaced by T.
Protein change: p.Arg18Trp; replaces arginine 18 with tryptophan.
Molecular consequence: missense variant. On other transcripts: non-coding transcript variant (1).
Genome position (GRCh38, 1-based): chr22:19,941,752, G>A on the plus strand (C>T on the coding strand, the complement: TXNRD2 is on the minus strand). VCF-style: chr22-19941752-G-A. GRCh37 (hg19) VCF-style: chr22-19929275-G-A.
Other names: c.52C>T, p.Arg18Trp (NM_001282512.3, NM_001352300.2); short protein forms R18W.
Identifiers: ClinVar variation 407093 (VCV000407093.7), dbSNP rs1060501404, ClinGen allele CA16616316.